The following is an entry in ClinVar:

ClinVar aggregate classification (germline): Uncertain significance (1 of 4 stars; one submission).

Allele frequency attached by ClinVar (database versions not stated): gnomAD exomes 0.00001.
gnomAD v4.1: 8 of 1,609,954 alleles (0.0005%); highest among the groups gnomAD compares: South Asian, 0.0077%; no homozygotes.

Submission:

Labcorp Genetics (formerly Invitae), Labcorp
Classification: Uncertain significance. Last evaluated: 2023-09-05. Review status: criteria provided, single submitter. Criteria: Invitae Variant Classification Sherloc (09022015). Collection method: clinical testing. Allele origin: germline.
Comment: Algorithms developed to predict the effect of sequence changes on RNA splicing suggest that this variant may disrupt the consensus splice site. In summary, the available evidence is currently insufficient to determine the role of this variant in disease. Therefore, it has been classified as a Variant of Uncertain Significance. Advanced modeling of protein sequence and biophysical properties (such as structural, functional, and spatial information, amino acid conservation, physicochemical variation, residue mobility, and thermodynamic stability) performed at Invitae indicates that this missense variant is not expected to disrupt LBR protein function. This variant has not been reported in the literature in individuals affected with LBR-related conditions. This variant is present in population databases (no rsID available, gnomAD 0.003%). This sequence change replaces isoleucine, which is neutral and non-polar, with valine, which is neutral and non-polar, at codon 309 of the LBR protein (p.Ile309Val).

NM_002296.4(LBR):c.925A>G (p.Ile309Val)

Gene: LBR (lamin B receptor; minus strand). Cytogenetic location: 1q42.12.
Variant type: single nucleotide variant.
Coding change: c.925A>G on transcript NM_002296.4 (MANE Select); coding-DNA position 925, A replaced by G.
Protein change: p.Ile309Val; replaces isoleucine 309 with valine.
Molecular consequence: missense variant.
Genome position (GRCh38, 1-based): chr1:225,412,613, T>C on the plus strand (A>G on the coding strand, the complement: LBR is on the minus strand). VCF-style: chr1-225412613-T-C. GRCh37 (hg19) VCF-style: chr1-225600315-T-C.
Other names: c.925A>G, p.Ile309Val (NM_194442.3); short protein forms I309V.
Identifiers: ClinVar variation 2964574 (VCV002964574.3), dbSNP rs1458202605, ClinGen allele CA344997592.